The following is an entry in ClinVar:

ClinVar aggregate classification (germline): Conflicting classifications of pathogenicity. Review status: criteria provided, conflicting classifications (1 of 4 stars). 5 submissions from 5 submitters: Likely pathogenic (1); Uncertain significance (4). Last evaluated 2025-05-05.

Conditions:
Hereditary cancer-predisposing syndrome. Also called: Hereditary neoplastic syndrome; Neoplastic Syndromes, Hereditary; Tumor predisposition; Hereditary Cancer Syndrome. Identifiers: Orphanet 140162, MedGen C0027672, MeSH D009386, MONDO:0015356.
Familial cancer of breast. Also called: Hereditary breast cancer; hereditary breast carcinoma; BREAST CANCER, FAMILIAL. Identifiers: Orphanet 227535, MedGen C0346153, MONDO:0016419, OMIM 114480. Disease mechanism: loss of function.
Ataxia-telangiectasia syndrome (AT). Also called: Ataxia telangiectasia (A-T); LOUIS-BAR SYNDROME; Cerebello-oculocutaneous telangiectasia; Immunodeficiency with ataxia telangiectasia; Ataxia-telangiectasia, complementation group D; AT, COMPLEMENTATION GROUP C. Identifiers: Orphanet 100, MedGen C0004135, MONDO:0008840, OMIM 208900.

Submissions (5):

Labcorp Genetics (formerly Invitae), Labcorp
Classification: Uncertain significance for Ataxia-telangiectasia syndrome. Last evaluated: 2025-05-05. Review status: criteria provided, single submitter. Criteria: Invitae Variant Classification Sherloc (09022015). Collection method: clinical testing. Allele origin: germline.
Comment: This variant is a complex sequence change involving the donor splice site of intron 35. It results in a nucleotide substitution at the last nucleotide of exon 35 of the ATM coding sequence, which is part of the consensus splice site for this exon. Information on the frequency of this variant in the gnomAD database is not available, as this variant may be reported differently in the database. This variant has not been reported in the literature in individuals affected with ATM-related conditions. ClinVar contains an entry for this variant (Variation ID: 2919498). Variants that disrupt the consensus splice site are a relatively common cause of aberrant splicing (PMID: 17576681, 9536098). Experimental studies and prediction algorithms are not available or were not evaluated, and the effect of this variant on mRNA splicing is currently unknown. In summary, the available evidence is currently insufficient to determine the role of this variant in disease. Therefore, it has been classified as a Variant of Uncertain Significance.

Myriad Genetics, Inc.
Classification: Likely pathogenic for Familial cancer of breast. Last evaluated: 2024-10-08. Review status: criteria provided, single submitter. Criteria: Myriad Autosomal Dominant, Autosomal Recessive and X-Linked Classification Criteria (2023). Collection method: clinical testing. Allele origin: unknown.
Comment: This variant is considered likely pathogenic. mRNA analysis has demonstrated abnormal mRNA splicing occurs [Myriad internal data].

Baylor Genetics
Classification: Uncertain significance for Familial cancer of breast. Last evaluated: 2023-11-02. Review status: criteria provided, single submitter. Criteria: ACMG Guidelines, 2015. Collection method: clinical testing. Allele origin: unknown.

Ambry Genetics
Classification: Uncertain significance for Hereditary cancer-predisposing syndrome. Last evaluated: 2021-03-31. Review status: criteria provided, single submitter. Criteria: Ambry Variant Classification Scheme 2023. Collection method: clinical testing. Allele origin: germline.
Comment: The c.5319_5319+8delinsTGTTTG variant results from a deletion of 9 nucleotides and insertion of 6 nucleotides between positions c.5319 and c.5319+8. This variant involves the last nucleotide of coding exon 35 of the ATM gene but maintains the sequence of the canonical positions at this donor site. The last nucleotide is highly conserved in available vertebrate species. Using the BDGP and ESEfinder splice site prediction tools, this alteration is predicted to abolish the native donor splice site; however, direct evidence is unavailable. Since supporting evidence is limited at this time, the clinical significance of this alteration remains unclear.

GeneDx
Classification: Uncertain significance. Last evaluated: 2018-02-02. Review status: criteria provided, single submitter. Criteria: GeneDx Variant Classification (06012015). Collection method: clinical testing. Allele origin: germline. Affected: yes.
Comment: This variant is denoted ATM c.5319_5319+8delGGTCTCTTAinsTGTTTG at the cDNA level. The surrounding sequence is GAAAAAA[delGgtctctta][insTgtttg]agta, where the capital letters are exonic and lower case are intronic. Although this combined deletion and insertion spans the intron/exon boundary including the canonical splice site, a 'GT' is retained at the canonical +1 and +2 positions. In silico analyses, which include splice predictors and evolutionary conservation, are uninformative in their assessment as to whether or not the variant is damaging; therefore, in the absence of RNA or functional studies, the actual effect of this variant is unknown. ATM c.5319_5319+8delGGTCTCTTAinsTGTTTG has not, to our knowledge, been reported in the literature as pathogenic or benign. This variant was not observed in large population cohorts (Lek 2016). Based on currently available evidence, it is unclear whether this variant is pathogenic or benign. We consider it to be a variant of uncertain significance.

Literature cited by the submitters: PubMed 17576681 (cited by Labcorp Genetics (formerly Invitae), Labcorp); PubMed 9536098 (cited by Labcorp Genetics (formerly Invitae), Labcorp).

NM_000051.4(ATM):c.5319_5319+8delinsTGTTTG

Gene: ATM (ATM serine/threonine kinase; plus strand). Cytogenetic location: 11q22.3.
Variant type: Indel.
Coding change: c.5319_5319+8delinsTGTTTG on transcript NM_000051.4 (MANE Select); coding-DNA position 5319 through 8 bases into the intron after coding-DNA position 5319, GGTCTCTTA replaced by TGTTTG.
Molecular consequence: splice donor variant.
Genome position (GRCh38, 1-based): chr11:108,301,789-108,301,797, GGTCTCTTA replaced by TGTTTG. VCF-style: chr11-108301789-GGTCTCTTA-TGTTTG. GRCh37 (hg19) VCF-style: chr11-108172516-GGTCTCTTA-TGTTTG.
Other names: c.5319_5319+8delGGTCTCTTAinsTGTTTG (NM_000051.3); c.5319_5319+8delinsTGTTTG (NM_001351834.2).
Identifiers: ClinVar variation 407532 (VCV000407532.12), dbSNP rs1064792939, ClinGen allele CA16613447.